The following is an entry in ClinVar:

GRCh38/hg38 8p23.3-23.1(chr8:96310-12021806)x3

Genes: MCPH1 (microcephalin 1; plus strand), MCPH1-AS1 (MCPH1 antisense RNA 1; minus strand), MCPH1-DT (MCPH1 divergent transcript; minus strand), MFHAS1 (multifunctional ROCO family signaling regulator 1), MIR124-1 (microRNA 124-1) and 379 more. Cytogenetic location: 8p23.3-23.1.
Variant type: copy number gain.
Change: copy number 3 (three copies instead of two) of chr8:96,310-12,021,806 (11.93 Mb, GRCh38 coordinates, 1-based), cytogenetic band 8p23.3-23.1.
Identifiers: ClinVar variation 59736 (VCV000059736.3).

ClinVar aggregate classification (germline): Pathogenic (1 of 4 stars; one submission).

Submission:

ISCA Site 6
Classification: Pathogenic. Last evaluated: 2011-08-12. Review status: criteria provided, single submitter. Criteria: Kaminsky et al. (Genet Med. 2011). Collection method: clinical testing. Allele origin: unknown. Affected: yes. Observed: 1 variant allele.
Comment: Copy number variation identified through the course of routine clinical cytogenomic testing in postnatal populations. Clinical assertions have been curated as described in Kaminsky et al. 2011.